The following is an entry in ClinVar:

ClinVar aggregate classification (germline): Uncertain significance (1 of 4 stars; one submission).

gnomAD v4.1: 1 of 1,479,390 alleles (0.000068%); no homozygotes.

Submission:

GeneDx
Classification: Uncertain significance. Last evaluated: 2026-10-06. Review status: criteria provided, single submitter. Criteria: GeneDx Variant Classification Process June 2021. Collection method: clinical testing. Allele origin: germline.
Comment: Not observed at significant frequency in large population cohorts (gnomAD); In silico analysis suggests that this missense variant does not alter protein structure/function; Has not been previously published as pathogenic or benign to our knowledge

NM_001394372.1(BICRA):c.1772G>A (p.Ser591Asn)

Gene: BICRA (BRD4 interacting chromatin remodeling complex associated protein; plus strand). Cytogenetic location: 19q13.33.
Variant type: single nucleotide variant.
Coding change: c.1772G>A on transcript NM_001394372.1 (MANE Select); coding-DNA position 1772, G replaced by A.
Protein change: p.Ser591Asn; replaces serine 591 with asparagine.
Molecular consequence: missense variant.
Genome position (GRCh38, 1-based): chr19:47,680,942, G>A. VCF-style: chr19-47680942-G-A. GRCh37 (hg19) VCF-style: chr19-48184199-G-A.
Other names: c.1772G>A, p.Ser591Asn (NM_015711.3); short protein forms S591N.
Identifiers: ClinVar variation 3383771 (VCV003383771.2).